The following is an entry in ClinVar:

ClinVar aggregate classification (germline): Uncertain significance (1 of 4 stars; one submission).

Conditions:
Generalized epilepsy with febrile seizures plus, type 7 (GEFSP7). Also called: GEFS+, TYPE 7. Identifiers: Orphanet 36387, MedGen C2751778, MONDO:0013470, OMIM 613863.
Neuropathy, hereditary sensory and autonomic, type 2A (HSAN2A). Also called: HSAN IIA; MORVAN DISEASE; NEUROPATHY, CONGENITAL SENSORY; NEUROPATHY, HEREDITARY SENSORY RADICULAR, AUTOSOMAL RECESSIVE; NEUROPATHY, HEREDITARY SENSORY, TYPE IIA; NEUROPATHY, PROGRESSIVE SENSORY, OF CHILDREN. Identifiers: Orphanet 970, MedGen C2752089, MONDO:0024309, OMIM 201300.

Submission:

Labcorp Genetics (formerly Invitae), Labcorp
Classification: Uncertain significance for Neuropathy, hereditary sensory and autonomic, type 2A; Generalized epilepsy with febrile seizures plus, type 7. Last evaluated: 2018-03-01. Review status: criteria provided, single submitter. Criteria: Invitae Variant Classification Sherloc (09022015). Collection method: clinical testing. Allele origin: germline.
Comment: Algorithms developed to predict the effect of missense changes on protein structure and function (SIFT, PolyPhen-2, Align-GVGD) all suggest that this variant is likely to be disruptive, but these predictions have not been confirmed by published functional studies and their clinical significance is uncertain. In summary, the available evidence is currently insufficient to determine the role of this variant in disease. Therefore, it has been classified as a Variant of Uncertain Significance. This variant has not been reported in the literature in individuals with SCN9A-related disease. This sequence change replaces glycine with serine at codon 389 of the SCN9A protein (p.Gly389Ser). The glycine residue is highly conserved and there is a small physicochemical difference between glycine and serine. This variant is not present in population databases (ExAC no frequency).

NM_001365536.1(SCN9A):c.1165G>A (p.Gly389Ser)

Genes: SCN9A (sodium voltage-gated channel alpha subunit 9; minus strand), SCN1A-AS1 (SCN1A and SCN9A antisense RNA 1; plus strand). Cytogenetic location: 2q24.3.
Variant type: single nucleotide variant.
Coding change: c.1165G>A on transcript NM_001365536.1 (MANE Select); coding-DNA position 1165, G replaced by A.
Protein change: p.Gly389Ser; replaces glycine 389 with serine.
Molecular consequence: missense variant.
Genome position (GRCh38, 1-based): chr2:166,288,586, C>T on the plus strand (G>A on the coding strand, the complement: SCN9A is on the minus strand). VCF-style: chr2-166288586-C-T. GRCh37 (hg19) VCF-style: chr2-167145096-C-T.
Other names: c.1165G>A, p.Gly389Ser (NM_002977.4); short protein forms G389S.
Identifiers: ClinVar variation 583376 (VCV000583376.9), dbSNP rs1559015138, ClinGen allele CA349086016.